The following is an entry in ClinVar:

ClinVar aggregate classification (germline): Pathogenic (1 of 4 stars; one submission).

Conditions:
Ataxia-telangiectasia syndrome (AT). Also called: LOUIS-BAR SYNDROME; Cerebello-oculocutaneous telangiectasia; Immunodeficiency with ataxia telangiectasia; ATAXIA-TELANGIECTASIA, COMPLEMENTATION GROUP A; ATAXIA-TELANGIECTASIA, FRESNO VARIANT; Ataxia-telangiectasia, complementation group D. Identifiers: Orphanet 100, MedGen C0004135, MONDO:0008840, OMIM 208900.

Submission:

Labcorp Genetics (formerly Invitae), Labcorp
Classification: Pathogenic for Ataxia-telangiectasia syndrome. Last evaluated: 2024-08-30. Review status: criteria provided, single submitter. Criteria: Invitae Variant Classification Sherloc (09022015). Collection method: clinical testing. Allele origin: germline.
Comment: This sequence change creates a premature translational stop signal (p.Asp379Valfs*11) in the ATM gene. It is expected to result in an absent or disrupted protein product. Loss-of-function variants in ATM are known to be pathogenic (PMID: 23807571, 25614872). This variant is not present in population databases (gnomAD no frequency). This variant has not been reported in the literature in individuals affected with ATM-related conditions. Algorithms developed to predict the effect of sequence changes on RNA splicing suggest that this variant may disrupt the consensus splice site. For these reasons, this variant has been classified as Pathogenic.

Literature cited by the submitters: PubMed 23807571; PubMed 25614872.

NM_000051.4(ATM):c.1136del (p.Asp379fs)

Gene: ATM (ATM serine/threonine kinase; plus strand). Cytogenetic location: 11q22.3.
Variant type: Deletion.
Coding change: c.1136del on transcript NM_000051.4 (MANE Select); coding-DNA position 1136, one base deleted (A; older notation c.1136delA).
Protein change: p.Asp379fs; shifts the reading frame from aspartic acid 379.
Molecular consequence: frameshift variant.
Genome position (GRCh38, 1-based): chr11:108,249,003, A deleted. VCF-style (leftmost placement, unchanged base first): chr11-108249002-GA-G. GRCh37 (hg19) VCF-style: chr11-108119729-GA-G.
Other names: c.1136del, p.Asp379fs (NM_001351834.2); short protein forms D379fs.
Identifiers: ClinVar variation 3654849 (VCV003654849.2).